The following is an entry in ClinVar:

NM_033641.4(COL4A6):c.4082T>C (p.Leu1361Pro)

Gene: COL4A6 (collagen type IV alpha 6 chain; minus strand). Cytogenetic location: Xq22.3.
Variant type: single nucleotide variant.
Coding change: c.4082T>C on transcript NM_033641.4 (MANE Select); coding-DNA position 4082, T replaced by C.
Protein change: p.Leu1361Pro; replaces leucine 1361 with proline.
Molecular consequence: missense variant.
Genome position (GRCh38, 1-based): chrX:108,163,026, A>G on the plus strand (T>C on the coding strand, the complement: COL4A6 is on the minus strand). VCF-style: chrX-108163026-A-G. GRCh37 (hg19) VCF-style: chrX-107406256-A-G.
Other names: c.4133T>C, p.Leu1378Pro (NM_001287758.2); c.4010T>C, p.Leu1337Pro (NM_001287759.2); c.3911T>C, p.Leu1304Pro (NM_001287760.2); c.4085T>C, p.Leu1362Pro (NM_001847.4); short protein forms L1362P, L1361P, L1378P, L1337P, L1304P.
Identifiers: ClinVar variation 258278 (VCV000258278.14), dbSNP rs35363062, ClinGen allele CA10487257.

ClinVar aggregate classification (germline): Benign/Likely benign. Review status: criteria provided, multiple submitters, no conflicts (2 of 4 stars). 8 submissions from 8 submitters: Benign (7); Likely benign (1). Last evaluated 2026-01-27.

Conditions:
Hearing loss, X-linked 6. Also called: Deafness, X-linked 6. Identifiers: Orphanet 90625, MedGen C3806737, MONDO:0010484, OMIM 300914.

Allele frequency attached by ClinVar (database versions not stated): gnomAD exomes 0.00287 and 0.00844; ExAC 0.01086; 1000 Genomes Project 0.02596; 1000 Genomes Project 30x 0.02768; gnomAD 0.02849 and 0.03050; TOPMed 0.03351; ESP Exome Variant Server 0.03825.
gnomAD v4.1: 6,427 of 1,193,027 alleles (0.54%); highest among the groups gnomAD compares: African/African-American, 10%; 197 homozygotes.

Submissions (8):

Labcorp Genetics (formerly Invitae), Labcorp
Classification: Benign. Last evaluated: 2026-01-27. Review status: criteria provided, single submitter. Criteria: Invitae Variant Classification Sherloc (09022015). Collection method: clinical testing. Allele origin: germline.

Blueprint Genetics
Classification: Likely benign. Last evaluated: 2024-11-07. Review status: criteria provided, single submitter. Criteria: ACMG Guidelines, 2015. Collection method: clinical testing. Allele origin: germline.

Mayo Clinic Laboratories, Mayo Clinic
Classification: Benign. Last evaluated: 2023-04-03. Review status: criteria provided, single submitter. Criteria: ACMG Guidelines, 2015. Collection method: clinical testing. Allele origin: germline. Observed: 1 variant allele.

Genome-Nilou Lab
Classification: Benign for Hearing loss, X-linked 6. Last evaluated: 2022-03-15. Review status: criteria provided, single submitter. Criteria: ACMG Guidelines, 2015. Collection method: clinical testing. Allele origin: germline. Affected: no.

Athena Diagnostics
Classification: Benign. Last evaluated: 2018-05-23. Review status: criteria provided, single submitter. Criteria: Athena Diagnostics Criteria. Collection method: clinical testing. Allele origin: germline.

GeneDx
Classification: Benign. Last evaluated: 2018-01-08. Review status: criteria provided, single submitter. Criteria: GeneDx Variant Classification (06012015). Collection method: clinical testing. Allele origin: germline. Affected: yes.
Comment: This variant is considered likely benign or benign based on one or more of the following criteria: it is a conservative change, it occurs at a poorly conserved position in the protein, it is predicted to be benign by multiple in silico algorithms, and/or has population frequency not consistent with disease.

Breakthrough Genomics
Classification: Benign. Review status: criteria provided, single submitter. Criteria: ACMG Guidelines, 2015. Collection method: not provided. Allele origin: germline. Inheritance: X-linked inheritance. Affected: yes.

PreventionGenetics, part of Exact Sciences
Classification: Benign. Review status: criteria provided, single submitter. Criteria: ACMG Guidelines, 2015. Collection method: clinical testing. Allele origin: germline.